The following is an entry in ClinVar:

ClinVar aggregate classification (germline): Conflicting classifications of pathogenicity. Review status: criteria provided, conflicting classifications (1 of 4 stars). 3 submissions from 3 submitters: Uncertain significance (1); Benign (1). 1 of the submissions does not count toward it. Last evaluated 2013-12-26.

Conditions:
ZNF674-related disorder. Also called: ZNF674-related condition.
History of neurodevelopmental disorder. Identifiers: MedGen C2711754.

Allele frequency attached by ClinVar (database versions not stated): gnomAD exomes 0.00429 and 0.00576; 1000 Genomes Project 0.00106; gnomAD 0.00400 and 0.00381; ESP Exome Variant Server 0.00552; TOPMed 0.00278; ExAC 0.00571; 1000 Genomes Project 30x 0.00166.
gnomAD v4.1: 6,491 of 1,180,587 alleles (0.55%); highest among the groups gnomAD compares: Non-Finnish European, 0.62%; 17 homozygotes.

Submissions (3):

Ambry Genetics
Classification: Uncertain significance for History of neurodevelopmental disorder. Last evaluated: 2013-12-26. Review status: criteria provided, single submitter. Criteria: Ambry Autosomal Dominant and X-Linked criteria (10/2015). Collection method: clinical testing. Allele origin: germline. Observed: 1 variant allele.
Comment: The p.K236R variant (also known as c.707A>G), located in coding exon 4 of the ZNF674 gene, results from an A to G substitution at nucleotide position 707. The lysine at codon 236 is replaced by arginine, an amino acid with highly similar properties. This variant was previously reported in the SNPDatabase as rs201621696. Based on data from the NHLBI Exome Sequencing Project (ESP), the G allele has an overall frequency of approximately 0.58% (13/2230) total male alleles studied having been observed in 0.77% (13/1680) European American male alleles but absent out of 550 African American male alleles studied. This amino acid position is not conserved on species alignment. In addition, this alteration is predicted to be tolerated by in silico analysis. Since supporting evidence is limited at this time, the clinical significance of this variant remains unclear.

Eurofins Ntd Llc (ga)
Classification: Benign. Last evaluated: 2013-05-20. Review status: criteria provided, single submitter. Criteria: EGL Classification Definitions 2015. Collection method: clinical testing. Allele origin: germline. Observed: 1 variant allele, 1 hemizygote.

PreventionGenetics, part of Exact Sciences
Classification: Benign for ZNF674-related condition. Last evaluated: 2019-05-16. Review status: no assertion criteria provided. Collection method: clinical testing. Allele origin: germline. Not counted in ClinVar's aggregate classification.
Comment: This variant is classified as benign based on ACMG/AMP sequence variant interpretation guidelines (Richards et al. 2015 PMID: 25741868, with internal and published modifications).

NM_001190417.2(ZNF674):c.692A>G (p.Lys231Arg)

Gene: ZNF674 (zinc finger protein 674; minus strand). Cytogenetic location: Xp11.3.
Variant type: single nucleotide variant.
Coding change: c.692A>G on transcript NM_001190417.2 (MANE Select); coding-DNA position 692, A replaced by G.
Protein change: p.Lys231Arg; replaces lysine 231 with arginine.
Molecular consequence: missense variant.
Genome position (GRCh38, 1-based): chrX:46,500,882, T>C on the plus strand (A>G on the coding strand, the complement: ZNF674 is on the minus strand). VCF-style: chrX-46500882-T-C. GRCh37 (hg19) VCF-style: chrX-46360317-T-C.
Other names: c.707A>G, p.Lys236Arg (NM_001039891.3); c.689A>G, p.Lys230Arg (NM_001146291.2); short protein forms K236R, K231R, K230R.
Identifiers: ClinVar variation 93484 (VCV000093484.10), dbSNP rs201621696, ClinGen allele CA147005.